The following is an entry in ClinVar:

NM_198253.3(TERT):c.172G>C (p.Val58Leu)

Genes: TERT (telomerase reverse transcriptase; minus strand), LOC110806263 (TERT 5' regulatory region; plus strand). Cytogenetic location: 5p15.33.
Variant type: single nucleotide variant.
Coding change: c.172G>C on transcript NM_198253.3 (MANE Select); coding-DNA position 172, G replaced by C.
Protein change: p.Val58Leu; replaces valine 58 with leucine.
Molecular consequence: missense variant. On other transcripts: non-coding transcript variant (2).
Genome position (GRCh38, 1-based): chr5:1,294,818, C>G on the plus strand (G>C on the coding strand, the complement: TERT is on the minus strand). VCF-style: chr5-1294818-C-G. GRCh37 (hg19) VCF-style: chr5-1294933-C-G.
Other names: c.172G>C (NM_198253.2); c.172G>C, p.Val58Leu (NM_001193376.3); short protein forms V58L.
Identifiers: ClinVar variation 1045602 (VCV001045602.11), dbSNP rs1751288465, ClinGen allele CA359058942.

ClinVar aggregate classification (germline): Uncertain significance. Review status: criteria provided, multiple submitters, no conflicts (2 of 4 stars). 2 submissions from 2 submitters: Uncertain significance (2). Last evaluated 2022-11-04.

Conditions:
Dyskeratosis congenita, autosomal dominant 2. Identifiers: MedGen C3151443, MONDO:0013521, OMIM 613989.
Idiopathic Pulmonary Fibrosis. Also called: Idiopathic fibrosing alveolitis, chronic form; idiopathic fibrosing alveolitis. Identifiers: Orphanet 2032, MedGen C1800706, MeSH D054990, MONDO:0800504.
Dyskeratosis congenita. Identifiers: Orphanet 1775, MedGen C0265965, MONDO:0015780.

Submissions (2):

Ambry Genetics
Classification: Uncertain significance for Dyskeratosis congenita. Last evaluated: 2022-11-04. Review status: criteria provided, single submitter. Criteria: Ambry Variant Classification Scheme 2023. Collection method: clinical testing. Allele origin: germline.
Comment: The p.V58L variant (also known as c.172G>C), located in coding exon 1 of the TERT gene, results from a G to C substitution at nucleotide position 172. The valine at codon 58 is replaced by leucine, an amino acid with highly similar properties. This amino acid position is conserved. In addition, this alteration is predicted to be tolerated by in silico analysis. Since supporting evidence is limited at this time, the clinical significance of this alteration remains unclear.

Labcorp Genetics (formerly Invitae), Labcorp
Classification: Uncertain significance for Dyskeratosis congenita, autosomal dominant 2; Idiopathic Pulmonary Fibrosis. Last evaluated: 2022-06-20. Review status: criteria provided, single submitter. Criteria: Invitae Variant Classification Sherloc (09022015). Collection method: clinical testing. Allele origin: germline.
Comment: In summary, the available evidence is currently insufficient to determine the role of this variant in disease. Therefore, it has been classified as a Variant of Uncertain Significance. Advanced modeling of protein sequence and biophysical properties (such as structural, functional, and spatial information, amino acid conservation, physicochemical variation, residue mobility, and thermodynamic stability) performed at Invitae indicates that this missense variant is expected to disrupt TERT protein function. ClinVar contains an entry for this variant (Variation ID: 1045602). This variant has not been reported in the literature in individuals affected with TERT-related conditions. This variant is not present in population databases (gnomAD no frequency). This sequence change replaces valine, which is neutral and non-polar, with leucine, which is neutral and non-polar, at codon 58 of the TERT protein (p.Val58Leu).